The following is an entry in ClinVar:

ClinVar aggregate classification (germline): Likely pathogenic (1 of 4 stars; one submission).

Conditions:
TONSL-related disorder. Also called: TONSL-related condition.

Submission:

PreventionGenetics, part of Exact Sciences
Classification: Likely pathogenic for TONSL-related condition. Last evaluated: 2023-06-19. Review status: criteria provided, single submitter. Criteria: ACMG Guidelines, 2015. Collection method: clinical testing. Allele origin: germline.
Comment: The TONSL c.659dupA variant is predicted to result in a frameshift and premature protein termination (p.Ala221Glyfs*83). To our knowledge, this variant has not been reported in the literature or in a large population database, indicating this variant is rare. Frameshift variants in TONSL are expected to be pathogenic. This variant is interpreted as likely pathogenic.

NM_013432.5(TONSL):c.659dup (p.Ala221fs)

Gene: TONSL (tonsoku like, DNA repair protein; minus strand). Cytogenetic location: 8q24.3.
Variant type: Duplication.
Coding change: c.659dup on transcript NM_013432.5 (MANE Select); coding-DNA position 659, one base duplicated (A; older notation c.659dupA).
Protein change: p.Ala221fs; shifts the reading frame from alanine 221.
Molecular consequence: frameshift variant.
Genome position (GRCh38, 1-based): chr8:144,442,332, T duplicated on the plus strand (A on the coding strand, the reverse complement: TONSL is on the minus strand). VCF-style (leftmost placement, unchanged base first): chr8-144442331-C-CT. GRCh37 (hg19) VCF-style: chr8-145667714-C-CT.
Other names: short protein forms A221fs.
Identifiers: ClinVar variation 2632517 (VCV002632517.1), dbSNP rs2537506917, ClinGen allele CA2695201537.